The following is an entry in ClinVar:

ClinVar aggregate classification (germline): Uncertain significance (1 of 4 stars; one submission).

gnomAD v4.1: 3 of 1,519,390 alleles (0.0002%); highest among the groups gnomAD compares: Non-Finnish European, 0.00026%; no homozygotes.

Submission:

Ambry Genetics
Classification: Uncertain significance. Last evaluated: 2026-04-18. Review status: criteria provided, single submitter. Criteria: Ambry Variant Classification Scheme 2023. Collection method: clinical testing. Allele origin: germline.
Comment: The p.D1811N variant (also known as c.5431G>A), located in coding exon 22 of the WNK2 gene, results from a G to A substitution at nucleotide position 5431. The aspartic acid at codon 1811 is replaced by asparagine, an amino acid with highly similar properties. This amino acid position is conserved. In addition, this alteration is predicted to be tolerated by in silico analysis. Based on the available evidence, the clinical significance of this variant remains unclear.

NM_006648.4(WNK2):c.5431G>A (p.Asp1811Asn)

Gene: WNK2 (WNK lysine deficient protein kinase 2; plus strand). Cytogenetic location: 9q22.31.
Variant type: single nucleotide variant.
Coding change: c.5431G>A on transcript NM_006648.4 (MANE Select); coding-DNA position 5431, G replaced by A.
Protein change: p.Asp1811Asn; replaces aspartic acid 1811 with asparagine.
Molecular consequence: missense variant.
Genome position (GRCh38, 1-based): chr9:93,292,896, G>A. VCF-style: chr9-93292896-G-A. GRCh37 (hg19) VCF-style: chr9-96055178-G-A.
Other names: c.5542G>A, p.Asp1848Asn (NM_001282394.3); short protein forms D1811N, D1848N.
Identifiers: ClinVar variation 4866599 (VCV004866599.1).
Genomic context (GRCh38, chr9:93,292,896, plus strand): 5'-GCGCAGACGGCCTCCTCCATCGAGGTCGGCGTGGGCGAGCCCGTGTCCAGCGACTCTGGG[G>A]ACGAGGGCCCTCGGGCGAGACCCCCGGTGCAGAAGCAGGCGTCCCTGCCCGTGAGTGGCA-3'
Protein context (NP_006639.3, residues 1801-1821): VGEPVSSDSG[Asp1811Asn]EGPRARPPVQ